The following is an entry in ClinVar:

NM_000214.3(JAG1):c.888T>G (p.Asp296Glu)

Gene: JAG1 (jagged canonical Notch ligand 1; minus strand). Cytogenetic location: 20p12.2.
Variant type: single nucleotide variant.
Coding change: c.888T>G on transcript NM_000214.3 (MANE Select); coding-DNA position 888, T replaced by G.
Protein change: p.Asp296Glu; replaces aspartic acid 296 with glutamic acid.
Molecular consequence: missense variant.
Genome position (GRCh38, 1-based): chr20:10,652,249, A>C on the plus strand (T>G on the coding strand, the complement: JAG1 is on the minus strand). VCF-style: chr20-10652249-A-C. GRCh37 (hg19) VCF-style: chr20-10632897-A-C.
Other names: short protein forms D296E.
Identifiers: ClinVar variation 3573162 (VCV003573162.2).

Conditions:
Arteriohepatic dysplasia. Also called: Alagille Syndrome. Identifiers: Orphanet 52, MedGen C0085280, MeSH D016738, MONDO:0007318.

Submission:

Gilbert/Spinner Lab, Children's Hospital of Philadelphia
No classification provided (evidence only). Condition: Alagille syndrome. Review status: no classification provided. Collection method: research. Allele origin: not applicable. Functional consequence: functionally_abnormal.
ClinVar note: "not provided" was previously submitted as the classification for the variant. However, the classification appeared to be based only on an observation of functional data so it was converted to no classification on 2025-07-30.